The following is an entry in ClinVar:

NM_000321.3(RB1):c.2461A>G (p.Thr821Ala)

Gene: RB1 (RB transcriptional corepressor 1; plus strand). Cytogenetic location: 13q14.2.
Variant type: single nucleotide variant.
Coding change: c.2461A>G on transcript NM_000321.3 (MANE Select); coding-DNA position 2461, A replaced by G.
Protein change: p.Thr821Ala; replaces threonine 821 with alanine.
Molecular consequence: missense variant.
Genome position (GRCh38, 1-based): chr13:48,465,340, A>G. VCF-style: chr13-48465340-A-G. GRCh37 (hg19) VCF-style: chr13-49039476-A-G.
Other names: short protein forms T821A.
Identifiers: ClinVar variation 939510 (VCV000939510.10), dbSNP rs761015353, ClinGen allele CA035646.

ClinVar aggregate classification (germline): Conflicting classifications of pathogenicity. Review status: criteria provided, conflicting classifications (1 of 4 stars). 2 submissions from 2 submitters: Uncertain significance (1); Likely benign (1). Last evaluated 2023-10-21.

Conditions:
Hereditary cancer-predisposing syndrome. Also called: Hereditary neoplastic syndrome; Neoplastic Syndromes, Hereditary; Tumor predisposition; Hereditary Cancer Syndrome. Identifiers: Orphanet 140162, MedGen C0027672, MeSH D009386, MONDO:0015356.
Retinoblastoma (RB1). Also called: RETINOBLASTOMA, SOMATIC. Identifiers: Orphanet 790, MedGen C0035335, MeSH D012175, MONDO:0008380, OMIM 180200, HP:0009919. Disease mechanism: loss of function. Inheritance: Both sporadic and heritable forms are tested..

Allele frequency attached by ClinVar (database versions not stated): gnomAD exomes 0.00001 and 0.00002; ExAC 0.00002.
gnomAD v4.1: 18 of 1,608,540 alleles (0.0011%); highest among the groups gnomAD compares: South Asian, 0.02%; no homozygotes.

Submissions (2):

Ambry Genetics
Classification: Likely benign for Hereditary cancer-predisposing syndrome. Last evaluated: 2023-10-21. Review status: criteria provided, single submitter. Criteria: Ambry Variant Classification Scheme 2023. Collection method: clinical testing. Allele origin: germline.

Labcorp Genetics (formerly Invitae), Labcorp
Classification: Uncertain significance for Retinoblastoma. Last evaluated: 2019-09-13. Review status: criteria provided, single submitter. Criteria: Invitae Variant Classification Sherloc (09022015). Collection method: clinical testing. Allele origin: germline.
Comment: Algorithms developed to predict the effect of missense changes on protein structure and function are either unavailable or do not agree on the potential impact of this missense change (SIFT: "Deleterious"; PolyPhen-2: "Benign"; Align-GVGD: "Class C0"). In summary, the available evidence is currently insufficient to determine the role of this variant in disease. Therefore, it has been classified as a Variant of Uncertain Significance. This variant has not been reported in the literature in individuals with RB1-related conditions. This variant is present in population databases (rs761015353, ExAC 0.02%). This sequence change replaces threonine with alanine at codon 821 of the RB1 protein (p.Thr821Ala). The threonine residue is moderately conserved and there is a small physicochemical difference between threonine and alanine.